The following is an entry in ClinVar:

ClinVar aggregate classification (germline): Uncertain significance (1 of 4 stars; one submission).

Conditions:
Nephronophthisis. Also called: Juvenile Nephronophthisis. Identifiers: Orphanet 655, MedGen C0687120, MONDO:0019005, HP:0000090.

gnomAD v4.1: 3 of 1,611,808 alleles (0.00019%); highest among the groups gnomAD compares: Admixed American, 0.0017%; no homozygotes.

Submission:

Labcorp Genetics (formerly Invitae), Labcorp
Classification: Uncertain significance for Nephronophthisis. Last evaluated: 2023-12-07. Review status: criteria provided, single submitter. Criteria: Invitae Variant Classification Sherloc (09022015). Collection method: clinical testing. Allele origin: germline.
Comment: This sequence change replaces asparagine, which is neutral and polar, with tyrosine, which is neutral and polar, at codon 278 of the INVS protein (p.Asn278Tyr). This variant is not present in population databases (gnomAD no frequency). This variant has not been reported in the literature in individuals affected with INVS-related conditions. ClinVar contains an entry for this variant (Variation ID: 2140572). An algorithm developed to predict the effect of missense changes on protein structure and function (PolyPhen-2) suggests that this variant is likely to be disruptive. In summary, the available evidence is currently insufficient to determine the role of this variant in disease. Therefore, it has been classified as a Variant of Uncertain Significance.

NM_014425.5(INVS):c.832A>T (p.Asn278Tyr)

Gene: INVS (inversin; plus strand). Cytogenetic location: 9q31.1.
Variant type: single nucleotide variant.
Coding change: c.832A>T on transcript NM_014425.5 (MANE Select); coding-DNA position 832, A replaced by T.
Protein change: p.Asn278Tyr; replaces asparagine 278 with tyrosine.
Molecular consequence: missense variant. On other transcripts: 5 prime UTR variant (1), non-coding transcript variant (1).
Genome position (GRCh38, 1-based): chr9:100,242,605, A>T. VCF-style: chr9-100242605-A-T. GRCh37 (hg19) VCF-style: chr9-103004887-A-T.
Other names: c.544A>T, p.Asn182Tyr (NM_001318381.2); c.-158A>T (NM_001318382.2); short protein forms N278Y, N182Y.
Identifiers: ClinVar variation 2140572 (VCV002140572.3), dbSNP rs2491244994, ClinGen allele CA374361942.